The following is an entry in ClinVar:

NM_007294.4(BRCA1):c.5099C>G (p.Thr1700Arg)

Gene: BRCA1 (BRCA1 DNA repair associated; minus strand). Cytogenetic location: 17q21.31.
Variant type: single nucleotide variant.
Coding change: c.5099C>G on transcript NM_007294.4 (MANE Select); coding-DNA position 5099, C replaced by G.
Protein change: p.Thr1700Arg; replaces threonine 1700 with arginine.
Molecular consequence: missense variant. On other transcripts: non-coding transcript variant (1).
Genome position (GRCh38, 1-based): chr17:43,063,927, G>C on the plus strand (C>G on the coding strand, the complement: BRCA1 is on the minus strand). VCF-style: chr17-43063927-G-C. GRCh37 (hg19) VCF-style: chr17-41215944-G-C.
Other names: c.1646C>G, p.Thr549Arg (NM_001408462.1, NM_001408463.1, NM_001408464.1 and 7 more transcripts); c.1643C>G, p.Thr548Arg (NM_001408468.1, NM_001408469.1, NM_001408470.1); c.1577C>G, p.Thr526Arg (NM_001408483.1, NM_001408484.1, NM_001408485.1 and 5 more transcripts); c.1574C>G, p.Thr525Arg (NM_001408492.1, NM_001408493.1); c.1550C>G, p.Thr517Arg (NM_001408494.1); c.1520C>G, p.Thr507Arg (NM_001408505.1); c.1463C>G, p.Thr488Arg (NM_001408506.1); c.1460C>G, p.Thr487Arg (NM_001408507.1); and 71 more; short protein forms T1653R, T1700R, T1721R, T596R, T1573R, T1587R, T1612R, T1656R.
Identifiers: ClinVar variation 864947 (VCV000864947.3), dbSNP rs2051927197, ClinGen allele CA10591330.
Genomic context (GRCh38, chr17:43,063,927, plus strand): 5'-TACTTACAGAAATAGCTAACTACCCATTTTCCTCCCGCAATTCCTAGAAAATATTTCAGT[G>C]TCCGTTCACACACAAACTCAGCATCTGCAGAATGAAAAACACTCAAAGGATTAGAAGTTG-3'
Protein context (NP_009225.1, residues 1690-1710): KTDAEFVCER[Thr1700Arg]LKYFLGIAGG

Conditions:
Breast-ovarian cancer, familial, susceptibility to, 1 (BROVCA1). Also called: BRCA1 Hereditary Breast and Ovarian Cancer; OVARIAN CANCER, SUSCEPTIBILITY TO. Identifiers: Orphanet 145, MedGen C2676676, MONDO:0011450, OMIM 604370. Disease mechanism: loss of function.

Submission:

Brotman Baty Institute, University of Washington
No classification provided (evidence only). Condition: Breast-ovarian cancer, familial 1. Review status: no classification provided. Collection method: in vitro. Allele origin: not applicable. Functional consequence: functionally_abnormal.
ClinVar note: "not provided" was previously submitted as the classification for the variant. However, the classification appeared to be based only on an observation of functional data so it was converted to no classification on 2025-07-30.